The following is an entry in ClinVar:

NM_000548.5(TSC2):c.512G>A (p.Gly171Asp)

Gene: TSC2 (TSC complex subunit 2; plus strand). Cytogenetic location: 16p13.3.
Variant type: single nucleotide variant.
Coding change: c.512G>A on transcript NM_000548.5 (MANE Select); coding-DNA position 512, G replaced by A.
Protein change: p.Gly171Asp; replaces glycine 171 with aspartic acid.
Molecular consequence: missense variant. On other transcripts: intron variant (1).
Genome position (GRCh38, 1-based): chr16:2,055,432, G>A. VCF-style: chr16-2055432-G-A. GRCh37 (hg19) VCF-style: chr16-2105433-G-A.
Other names: c.512G>A, p.Gly171Asp (NM_001077183.3, NM_001114382.3, NM_001363528.2 and 3 more transcripts); c.401G>A, p.Gly134Asp (NM_001318827.2); c.365G>A, p.Gly122Asp (NM_001318829.2); c.545G>A, p.Gly182Asp (NM_001318832.2); c.-1-764G>A (NM_001318831.2); short protein forms G182D, G122D, G134D, G171D.
Identifiers: ClinVar variation 664555 (VCV000664555.13), dbSNP rs983899092, ClinGen allele CA276771991.

ClinVar aggregate classification (germline): Uncertain significance. Review status: criteria provided, multiple submitters, no conflicts (2 of 4 stars). 4 submissions from 4 submitters: Uncertain significance (4). Last evaluated 2026-01-19.

Conditions:
Tuberous sclerosis syndrome (TSC). Also called: Tuberous Sclerosis Complex; Tuberous sclerosis. Identifiers: Orphanet 805, MedGen C0041341, MONDO:0001734.
Tuberous sclerosis 2 (TSC2). Identifiers: Orphanet 805, MedGen C1860707, MONDO:0013199, OMIM 613254.
Hereditary cancer-predisposing syndrome. Also called: Neoplastic Syndromes, Hereditary; Hereditary neoplastic syndrome; Tumor predisposition; Hereditary Cancer Syndrome. Identifiers: Orphanet 140162, MedGen C0027672, MeSH D009386, MONDO:0015356.

Allele frequency attached by ClinVar (database versions not stated): TOPMed below 0.00001.

Submissions (4):

Labcorp Genetics (formerly Invitae), Labcorp
Classification: Uncertain significance for Tuberous sclerosis 2. Last evaluated: 2026-01-19. Review status: criteria provided, single submitter. Criteria: Invitae Variant Classification Sherloc (09022015). Collection method: clinical testing. Allele origin: germline.
Comment: This sequence change replaces glycine, which is neutral and non-polar, with aspartic acid, which is acidic and polar, at codon 171 of the TSC2 protein (p.Gly171Asp). This variant is not present in population databases (gnomAD no frequency). This variant has not been reported in the literature in individuals affected with TSC2-related conditions. ClinVar contains an entry for this variant (Variation ID: 664555). Invitae Evidence Modeling of protein sequence and biophysical properties (such as structural, functional, and spatial information, amino acid conservation, physicochemical variation, residue mobility, and thermodynamic stability) indicates that this missense variant is not expected to disrupt TSC2 protein function with a negative predictive value of 95%. In summary, the available evidence is currently insufficient to determine the role of this variant in disease. Therefore, it has been classified as a Variant of Uncertain Significance.

All of Us Research Program, National Institutes of Health
Classification: Uncertain significance for Tuberous sclerosis syndrome. Last evaluated: 2024-06-17. Review status: criteria provided, single submitter. Criteria: ACMG Guidelines, 2015. Collection method: clinical testing. Allele origin: germline. Inheritance: Autosomal dominant inheritance. Observed: 4 variant alleles, 4 heterozygotes.
Comment: This missense variant replaces glycine with aspartic acid at codon 171 of the TSC2 protein. Computational prediction suggests that this variant may have deleterious impact on protein structure and function (internally defined REVEL score threshold >= 0.7, PMID: 27666373). To our knowledge, functional studies have not been reported for this variant. This variant has not been reported in individuals affected with tuberous sclerosis complex in the literature. This variant has not been identified in the general population by the Genome Aggregation Database (gnomAD). The available evidence is insufficient to determine the role of this variant in disease conclusively. Therefore, this variant is classified as a Variant of Uncertain Significance.

This study involves interpretation of variants in research participants for the purpose of population health screening. Participant phenotype was not available at the time of variant classification. Additional details can be found in publication PMID: 35346344, PMCID: PMC8962531

Ambry Genetics
Classification: Uncertain significance for Hereditary cancer-predisposing syndrome. Last evaluated: 2024-06-07. Review status: criteria provided, single submitter. Criteria: Ambry Variant Classification Scheme 2023. Collection method: clinical testing. Allele origin: germline.
Comment: The p.G171D variant (also known as c.512G>A), located in coding exon 5 of the TSC2 gene, results from a G to A substitution at nucleotide position 512. The glycine at codon 171 is replaced by aspartic acid, an amino acid with similar properties. This amino acid position is highly conserved in available vertebrate species. In addition, this alteration is predicted to be deleterious by in silico analysis. Based on the available evidence, the clinical significance of this variant remains unclear.

GeneDx
Classification: Uncertain significance. Last evaluated: 2024-01-30. Review status: criteria provided, single submitter. Criteria: GeneDx Variant Classification Process June 2021. Collection method: clinical testing. Allele origin: germline. Affected: yes.
Comment: Not observed at significant frequency in large population cohorts (gnomAD); In silico analysis supports that this missense variant has a deleterious effect on protein structure/function; Has not been previously published as pathogenic or benign to our knowledge; This variant is associated with the following publications: (PMID: 31898484, 18466115)